The following is an entry in ClinVar:

NM_001079855.2(GYG2):c.584C>T (p.Thr195Met)

Gene: GYG2 (glycogenin 2; plus strand). Cytogenetic location: Xp22.33.
Variant type: single nucleotide variant.
Coding change: c.584C>T on transcript NM_001079855.2 (MANE Select); coding-DNA position 584, C replaced by T.
Protein change: p.Thr195Met; replaces threonine 195 with methionine.
Molecular consequence: missense variant.
Genome position (GRCh38, 1-based): chrX:2,856,594, C>T. VCF-style: chrX-2856594-C-T. GRCh37 (hg19) VCF-style: chrX-2774635-C-T.
Other names: c.584C>T, p.Thr195Met (NM_001184702.2); c.677C>T, p.Thr226Met (NM_001184703.2, NM_003918.3); c.119C>T, p.Thr40Met (NM_001184704.2); short protein forms T195M, T40M, T226M.
Identifiers: ClinVar variation 679662 (VCV000679662.11), dbSNP rs143109649, ClinGen allele CA10337118.

ClinVar aggregate classification (germline): Conflicting classifications of pathogenicity. Review status: criteria provided, conflicting classifications (1 of 4 stars). 5 submissions from 5 submitters: Uncertain significance (2); Likely benign (2). 1 of the submissions does not count toward it. Last evaluated 2025-11-02.

Conditions:
GYG2-related disorder. Also called: GYG2-related condition.

Allele frequency attached by ClinVar (database versions not stated): gnomAD exomes 0.00007 and 0.00017; ExAC 0.00020; 1000 Genomes Project 30x 0.00021; 1000 Genomes Project 0.00026; gnomAD 0.00068 and 0.00072; ESP Exome Variant Server 0.00076; TOPMed 0.00077.
gnomAD v4.1: 156 of 1,203,526 alleles (0.013%); highest among the groups gnomAD compares: African/African-American, 0.21%; no homozygotes.

Submissions (5):

Labcorp Genetics (formerly Invitae), Labcorp
Classification: Uncertain significance. Last evaluated: 2025-11-02. Review status: criteria provided, single submitter. Criteria: Invitae Variant Classification Sherloc (09022015). Collection method: clinical testing. Allele origin: germline.
Comment: This sequence change replaces threonine, which is neutral and polar, with methionine, which is neutral and non-polar, at codon 226 of the GYG2 protein (p.Thr226Met). This variant is present in population databases (rs143109649, gnomAD 0.2%), and has an allele count higher than expected for a pathogenic variant. This variant has not been reported in the literature in individuals affected with GYG2-related conditions. ClinVar contains an entry for this variant (Variation ID: 679662). An algorithm developed to predict the effect of missense changes on protein structure and function (PolyPhen-2) suggests that this variant is likely to be disruptive. In summary, the available evidence is currently insufficient to determine the role of this variant in disease. Therefore, it has been classified as a Variant of Uncertain Significance.

Ambry Genetics
Classification: Uncertain significance. Last evaluated: 2025-04-05. Review status: criteria provided, single submitter. Criteria: Ambry Variant Classification Scheme 2023. Collection method: clinical testing. Allele origin: germline.

GeneDx
Classification: Likely benign. Last evaluated: 2018-01-09. Review status: criteria provided, single submitter. Criteria: GeneDx Variant Classification (06012015). Collection method: clinical testing. Allele origin: germline. Affected: yes.
Comment: This variant is considered likely benign or benign based on one or more of the following criteria: it is a conservative change, it occurs at a poorly conserved position in the protein, it is predicted to be benign by multiple in silico algorithms, and/or has population frequency not consistent with disease.

Breakthrough Genomics
Classification: Likely benign. Review status: criteria provided, single submitter. Criteria: ACMG Guidelines, 2015. Collection method: not provided. Allele origin: germline. Inheritance: Unknown mechanism. Affected: yes.

PreventionGenetics, part of Exact Sciences
Classification: Likely benign for GYG2-related condition. Last evaluated: 2023-04-14. Review status: no assertion criteria provided. Collection method: clinical testing. Allele origin: germline. Not counted in ClinVar's aggregate classification.
Comment: This variant is classified as likely benign based on ACMG/AMP sequence variant interpretation guidelines (Richards et al. 2015 PMID: 25741868, with internal and published modifications).